The following is an entry in ClinVar:

NM_000883.4(IMPDH1):c.1173A>G (p.Thr391=)

Gene: IMPDH1 (inosine monophosphate dehydrogenase 1; minus strand). Cytogenetic location: 7q32.1.
Variant type: single nucleotide variant.
Coding change: c.1173A>G on transcript NM_000883.4 (MANE Select); coding-DNA position 1173, A replaced by G.
Protein change: p.Thr391=; no amino-acid change (threonine 391 retained).
Molecular consequence: synonymous variant.
Genome position (GRCh38, 1-based): chr7:128,396,688, T>C on the plus strand (A>G on the coding strand, the complement: IMPDH1 is on the minus strand). VCF-style: chr7-128396688-T-C. GRCh37 (hg19) VCF-style: chr7-128036742-T-C.
Other names: c.1143A>G, p.Thr381= (NM_001102605.2); c.918A>G, p.Thr306= (NM_001142573.2); c.903A>G, p.Thr301= (NM_001142574.2); c.843A>G, p.Thr281= (NM_001142575.2); c.1074A>G, p.Thr358= (NM_001142576.2); c.966A>G, p.Thr322= (NM_001304521.2); c.1065A>G, p.Thr355= (NM_183243.3).
Identifiers: ClinVar variation 194007 (VCV000194007.18), dbSNP rs138502867, ClinGen allele CA239776.

ClinVar aggregate classification (germline): Conflicting classifications of pathogenicity. Review status: criteria provided, conflicting classifications (1 of 4 stars). 4 submissions from 4 submitters: Uncertain significance (1); Likely benign (2). 1 of the submissions does not count toward it. Last evaluated 2026-01-05.

Conditions:
IMPDH1-related disorder. Also called: IMPDH1-related condition; IMPDH1-related disorders.

Allele frequency attached by ClinVar (database versions not stated): gnomAD exomes 0.00008 and 0.00023; ExAC 0.00035; 1000 Genomes Project 0.00060; ESP Exome Variant Server 0.00063; gnomAD 0.00070 and 0.00075; TOPMed 0.00088; 1000 Genomes Project 30x 0.00094.
gnomAD v4.1: 219 of 1,552,398 alleles (0.014%); highest among the groups gnomAD compares: African/African-American, 0.27%; 1 homozygote.

Submissions (4):

Labcorp Genetics (formerly Invitae), Labcorp
Classification: Likely benign. Last evaluated: 2026-01-05. Review status: criteria provided, single submitter. Criteria: Invitae Variant Classification Sherloc (09022015). Collection method: clinical testing. Allele origin: germline.

Blueprint Genetics
Classification: Likely benign. Last evaluated: 2024-09-23. Review status: criteria provided, single submitter. Criteria: ACMG Guidelines, 2015. Collection method: clinical testing. Allele origin: germline.

Eurofins Ntd Llc (ga)
Classification: Uncertain significance. Last evaluated: 2014-12-23. Review status: criteria provided, single submitter. Criteria: EGL Classification Definitions 2015. Collection method: clinical testing. Allele origin: germline. Observed: 2 variant alleles, 2 heterozygotes.

PreventionGenetics, part of Exact Sciences
Classification: Likely benign for IMPDH1-related condition. Last evaluated: 2024-09-05. Review status: no assertion criteria provided. Collection method: clinical testing. Allele origin: germline. Not counted in ClinVar's aggregate classification.
Comment: This variant is classified as likely benign based on ACMG/AMP sequence variant interpretation guidelines (Richards et al. 2015 PMID: 25741868, with internal and published modifications).